The following is an entry in ClinVar:

ClinVar aggregate classification (germline): Pathogenic (1 of 4 stars; one submission).

Conditions:
Hereditary cancer-predisposing syndrome. Also called: Hereditary Cancer Syndrome; Neoplastic Syndromes, Hereditary; Tumor predisposition; Hereditary neoplastic syndrome. Identifiers: Orphanet 140162, MedGen C0027672, MeSH D009386, MONDO:0015356.

Submission:

Ambry Genetics
Classification: Pathogenic for Hereditary cancer-predisposing syndrome. Last evaluated: 2021-10-06. Review status: criteria provided, single submitter. Criteria: Ambry Variant Classification Scheme 2023. Collection method: clinical testing. Allele origin: germline.
Comment: The c.5138_5139delTAinsGG pathogenic mutation, located in coding exon 16 of the BRCA1 gene, results from an in-frame deletion of TA and insertion of GG at nucleotide positions 5138 to 5139. This results in the substitution of the valine residue for a glycine residue at codon 1713, an amino acid with dissimilar properties. One functional study found that a different nucleotide substitution resulting in the same protein effect, c.5138T>G (p.V1713G), is non-functional in a high-throughput, genome editing, haploid cell survival assay (Findlay GM et al. Nature, 2018 10;562:217-222). Another alteration at the same codon, p.V1713A (c.5138T>C), has been classified as functionally deleterious by multiple transcriptional activation functional studies and has been demonstrated to destabilize protein structure as much as other pathogenic variants nearby (Karchin R et al. PLoS Comput. Biol., 2007 Feb;3:e26; Lee MS et al. Cancer Res., 2010 Jun;70:4880-90; Iversen ES et al. Cancer Epidemiol. Biomarkers Prev., 2011 Jun;20:1078-88; Woods NT et al. NPJ Genom Med, 2016 Mar; Findlay GM et al. Nature, 2018 10;562:217-222; Petitalot A et al. Mol Cancer Res, 2019 01;17:54-69; Ambry internal data). This amino acid position is not well conserved in available vertebrate species. The c.5138_5139delTAinsGG (p.V1713G) variant is considered to be rare based on population cohorts in the Genome Aggregation Database (gnomAD). In addition, this amino acid substitution is predicted to be deleterious by in silico analysis. Based on the supporting evidence, this alteration is interpreted as a disease-causing mutation.

Literature cited by the submitters: PubMed 30209399.

NM_007294.4(BRCA1):c.5138_5139delinsGG (p.Val1713Gly)

Gene: BRCA1 (BRCA1 DNA repair associated; minus strand). Cytogenetic location: 17q21.31.
Variant type: Indel.
Coding change: c.5138_5139delinsGG on transcript NM_007294.4 (MANE Select); coding-DNA positions 5138 to 5139, TA replaced by GG.
Protein change: p.Val1713Gly; replaces valine 1713 with glycine.
Molecular consequence: missense variant. On other transcripts: non-coding transcript variant (1).
Genome position (GRCh38, 1-based): chr17:43,063,887-43,063,888, TA replaced by CC on the plus strand (TA replaced by GG on the coding strand, the reverse complement: BRCA1 is on the minus strand). VCF-style: chr17-43063887-TA-CC. GRCh37 (hg19) VCF-style: chr17-41215904-TA-CC.
Other names: c.4925_4926delTAinsGG, p.Val1642Gly (NM_001407900.1, NM_001407902.1, NM_001407910.1 and 12 more transcripts); c.4922_4923delTAinsGG, p.Val1641Gly (NM_001407917.1, NM_001407915.1, NM_001407916.1 and 1 more transcripts); c.4874_4875delTAinsGG, p.Val1625Gly (NM_001407920.1, NM_001407921.1, NM_001407922.1 and 4 more transcripts); c.5015_5016delTAinsGG, p.Val1672Gly (NM_001407919.1, NM_001407664.1, NM_001407665.1 and 6 more transcripts); c.1823_1824delTAinsGG, p.Val608Gly (NM_001408473.1, NM_001408392.1, NM_001408396.1 and 8 more transcripts); c.1628_1629delTAinsGG, p.Val543Gly (NM_001408474.1); c.1625_1626delTAinsGG, p.Val542Gly (NM_001408475.1, NM_001408476.1); c.1619_1620delTAinsGG, p.Val540Gly (NM_001408478.1, NM_001408479.1, NM_001408480.1); and 74 more; short protein forms V1417G, V1585G, V1623G, V1642G, V1644G, V1664G, V1672G, V1708G.
Identifiers: ClinVar variation 1745580 (VCV001745580.2), dbSNP rs2549494030, ClinGen allele CA2573334971.
Genomic context (GRCh38, chr17:43,063,887, plus strand): 5'-ATTCTGAGGTGTTAAAGGGAGGAGGGGAGAAATAGTATTATACTTACAGAAATAGCTAAC[TA>CC]CCCATTTTCCTCCCGCAATTCCTAGAAAATATTTCAGTGTCCGTTCACACACAAACTCAG-3'
Protein context (NP_009225.1, residues 1703-1723): YFLGIAGGKW[Val1713Gly]VSYFWVTQSI